The following is an entry in ClinVar:

ClinVar aggregate classification (germline): Uncertain significance. Review status: criteria provided, multiple submitters, no conflicts (2 of 4 stars). 2 submissions from 2 submitters: Uncertain significance (2). Last evaluated 2026-01-06.

Conditions:
MHC class I deficiency. Identifiers: Orphanet 34592, MedGen C6024714, MONDO:0011476.

Allele frequency attached by ClinVar (database versions not stated): gnomAD 0.00003 and 0.00002; ExAC 0.00008; gnomAD exomes 0.00004.
gnomAD v4.1: 54 of 1,613,202 alleles (0.0033%); highest among the groups gnomAD compares: Admixed American, 0.0067%; no homozygotes.

Submissions (2):

Labcorp Genetics (formerly Invitae), Labcorp
Classification: Uncertain significance for MHC class I deficiency 1. Last evaluated: 2026-01-06. Review status: criteria provided, single submitter. Criteria: Invitae Variant Classification Sherloc (09022015). Collection method: clinical testing. Allele origin: germline.
Comment: This sequence change replaces proline, which is neutral and non-polar, with leucine, which is neutral and non-polar, at codon 62 of the TAPBP protein (p.Pro62Leu). This variant is present in population databases (rs758158568, gnomAD 0.01%). This variant has not been reported in the literature in individuals affected with TAPBP-related conditions. ClinVar contains an entry for this variant (Variation ID: 1449186). An algorithm developed to predict the effect of missense changes on protein structure and function (PolyPhen-2) suggests that this variant is likely to be disruptive. In summary, the available evidence is currently insufficient to determine the role of this variant in disease. Therefore, it has been classified as a Variant of Uncertain Significance.

Ambry Genetics
Classification: Uncertain significance. Last evaluated: 2024-07-22. Review status: criteria provided, single submitter. Criteria: Ambry Variant Classification Scheme 2023. Collection method: clinical testing. Allele origin: germline.

NM_003190.5(TAPBP):c.185C>T (p.Pro62Leu)

Gene: TAPBP (TAP binding protein; minus strand). Cytogenetic location: 6p21.32.
Variant type: single nucleotide variant.
Coding change: c.185C>T on transcript NM_003190.5 (MANE Select); coding-DNA position 185, C replaced by T.
Protein change: p.Pro62Leu; replaces proline 62 with leucine.
Molecular consequence: missense variant.
Genome position (GRCh38, 1-based): chr6:33,313,717, G>A on the plus strand (C>T on the coding strand, the complement: TAPBP is on the minus strand). VCF-style: chr6-33313717-G-A. GRCh37 (hg19) VCF-style: chr6-33281494-G-A.
Other names: c.185C>T (NM_003190.4); c.185C>T, p.Pro62Leu (NM_172208.3, NM_172209.3); short protein forms P62L.
Identifiers: ClinVar variation 1449186 (VCV001449186.9), dbSNP rs758158568, ClinGen allele CA3755949.
Genomic context (GRCh38, chr6:33,313,717, plus strand): 5'-ACAGAGGTAGGGGGGCGGCGAGTCCCTAGAGACTCACCGTGTACACTGAGATAGAGCTCA[G>A]GGTCGAGGTCCGGCCGGGGCGGCGGTTCCCCCGGTCCCTGGCGCAACAGCAGTGCACCGG-3'
Protein context (NP_003181.3, residues 52-72): GEPPPRPDLD[Pro62Leu]ELYLSVHDPA